The following is an entry in ClinVar:

NM_032634.4(PIGO):c.3141-9T>G

Gene: PIGO (phosphatidylinositol glycan anchor biosynthesis class O; minus strand). Cytogenetic location: 9p13.3.
Variant type: single nucleotide variant.
Coding change: c.3141-9T>G on transcript NM_032634.4 (MANE Select); 9 bases into the intron before coding-DNA position 3141, T replaced by G.
Molecular consequence: intron variant.
Genome position (GRCh38, 1-based): chr9:35,089,230, A>C on the plus strand (T>G on the coding strand, the complement: PIGO is on the minus strand). VCF-style: chr9-35089230-A-C. GRCh37 (hg19) VCF-style: chr9-35089227-A-C.
Other names: c.1890-9T>G (NM_152850.4, NM_001201484.2).
Identifiers: ClinVar variation 2897295 (VCV002897295.3), dbSNP rs374227554, ClinGen allele CA587247368.

ClinVar aggregate classification (germline): Uncertain significance (1 of 4 stars; one submission).

Conditions:
Hyperphosphatasia with impaired intellectual development syndrome 2. Also called: GLYCOSYLPHOSPHATIDYLINOSITOL BIOSYNTHESIS DEFECT 6; Hyperphosphatasia with intellectual disability syndrome 2. Identifiers: Orphanet 247262, MedGen C3553637, MONDO:0013882, OMIM 614749.

Submission:

Labcorp Genetics (formerly Invitae), Labcorp
Classification: Uncertain significance for Hyperphosphatasia with impaired intellectual development syndrome 2. Last evaluated: 2023-11-11. Review status: criteria provided, single submitter. Criteria: Invitae Variant Classification Sherloc (09022015). Collection method: clinical testing. Allele origin: germline.
Comment: This sequence change falls in intron 10 of the PIGO gene. It does not directly change the encoded amino acid sequence of the PIGO protein. This variant is present in population databases (no rsID available, gnomAD 0.01%). This variant has not been reported in the literature in individuals affected with PIGO-related conditions. Algorithms developed to predict the effect of sequence changes on RNA splicing suggest that this variant may disrupt the consensus splice site. In summary, the available evidence is currently insufficient to determine the role of this variant in disease. Therefore, it has been classified as a Variant of Uncertain Significance.